The following is an entry in ClinVar:

NM_017433.5(MYO3A):c.3842T>G (p.Phe1281Cys)

Gene: MYO3A (myosin IIIA; plus strand). Cytogenetic location: 10p12.1.
Variant type: single nucleotide variant.
Coding change: c.3842T>G on transcript NM_017433.5 (MANE Select); coding-DNA position 3842, T replaced by G.
Protein change: p.Phe1281Cys; replaces phenylalanine 1281 with cysteine.
Molecular consequence: missense variant.
Genome position (GRCh38, 1-based): chr10:26,174,106, T>G. VCF-style: chr10-26174106-T-G. GRCh37 (hg19) VCF-style: chr10-26463035-T-G.
Other names: short protein forms F1281C.
Identifiers: ClinVar variation 227668 (VCV000227668.4), dbSNP rs876657529, ClinGen allele CA10576785.

ClinVar aggregate classification (germline): Likely benign (1 of 4 stars; one submission).

Allele frequency attached by ClinVar (database versions not stated): gnomAD below 0.00001 and 0.00001; gnomAD exomes below 0.00001.
gnomAD v4.1: 4 of 1,614,046 alleles (0.00025%); highest among the groups gnomAD compares: South Asian, 0.0044%; no homozygotes.

Submission:

Laboratory for Molecular Medicine, Mass General Brigham Personalized Medicine
Classification: Likely benign. Last evaluated: 2015-02-20. Review status: criteria provided, single submitter. Criteria: LMM Criteria. Collection method: clinical testing. Allele origin: germline. Observed: 1 variant allele.
Comment: p.Phe1281Cys in exon 30 of MYO3A: This variant is not expected to have clinical significance because the phenylalanine (Phe) amino acid residue at position 1281 is not conserved with Tibetan antelope, cow, sheep and domestic goat having a c ysteine (Cys) at this position.